The following is an entry in ClinVar:

ClinVar aggregate classification (germline): Uncertain significance. Review status: criteria provided, multiple submitters, no conflicts (2 of 4 stars). 2 submissions from 2 submitters: Uncertain significance (2). Last evaluated 2022-06-22.

Conditions:
Ataxia-telangiectasia syndrome (AT). Also called: Cerebello-oculocutaneous telangiectasia; Immunodeficiency with ataxia telangiectasia; Ataxia telangiectasia (A-T); LOUIS-BAR SYNDROME; Ataxia-telangiectasia, complementation group D; AT, COMPLEMENTATION GROUP C. Identifiers: Orphanet 100, MedGen C0004135, MONDO:0008840, OMIM 208900.
Hereditary cancer-predisposing syndrome. Also called: Neoplastic Syndromes, Hereditary; Hereditary neoplastic syndrome; Tumor predisposition; Hereditary Cancer Syndrome. Identifiers: Orphanet 140162, MedGen C0027672, MeSH D009386, MONDO:0015356.

Allele frequency attached by ClinVar (database versions not stated): gnomAD exomes below 0.00001; ExAC 0.00001.
gnomAD v4.1: 1 of 1,614,010 alleles (0.000062%); no homozygotes.

Submissions (2):

Labcorp Genetics (formerly Invitae), Labcorp
Classification: Uncertain significance for Ataxia-telangiectasia syndrome. Last evaluated: 2022-06-22. Review status: criteria provided, single submitter. Criteria: Invitae Variant Classification Sherloc (09022015). Collection method: clinical testing. Allele origin: germline.
Comment: In summary, the available evidence is currently insufficient to determine the role of this variant in disease. Therefore, it has been classified as a Variant of Uncertain Significance. Variants that disrupt the consensus splice site are a relatively common cause of aberrant splicing (PMID: 17576681, 9536098). Algorithms developed to predict the effect of sequence changes on RNA splicing suggest that this variant may disrupt the consensus splice site. This variant has not been reported in the literature in individuals affected with ATM-related conditions. This variant is present in population databases (rs762770768, gnomAD 0.01%). This sequence change falls in intron 10 of the ATM gene. It does not directly change the encoded amino acid sequence of the ATM protein. It affects a nucleotide within the consensus splice site.

Color Diagnostics, LLC DBA Color Health
Classification: Uncertain significance for Hereditary cancer-predisposing syndrome. Last evaluated: 2022-02-14. Review status: criteria provided, single submitter. Criteria: ACMG Guidelines, 2015. Collection method: clinical testing. Allele origin: germline.
Comment: This variant causes an A to G nucleotide substitution at the +4 position of intron 10 of the ATM gene. Splice site prediction tools are inconclusive regarding the impact of this variant on RNA splicing. To our knowledge, functional studies have not been reported for this variant. This variant has not been reported in individuals affected with hereditary cancer in the literature. This variant has been identified in 1/249982 chromosomes in the general population by the Genome Aggregation Database (gnomAD). The available evidence is insufficient to determine the role of this variant in disease conclusively. Therefore, this variant is classified as a Variant of Uncertain Significance.

Literature cited by the submitters: PubMed 17576681 (cited by Labcorp Genetics (formerly Invitae), Labcorp); PubMed 9536098 (cited by Labcorp Genetics (formerly Invitae), Labcorp).

NM_000051.4(ATM):c.1607+4A>G

Gene: ATM (ATM serine/threonine kinase; plus strand). Cytogenetic location: 11q22.3.
Variant type: single nucleotide variant.
Coding change: c.1607+4A>G on transcript NM_000051.4 (MANE Select); 4 bases into the intron after coding-DNA position 1607, A replaced by G.
Molecular consequence: intron variant.
Genome position (GRCh38, 1-based): chr11:108,251,076, A>G. VCF-style: chr11-108251076-A-G. GRCh37 (hg19) VCF-style: chr11-108121803-A-G.
Other names: c.1607+4A>G (NM_001351834.2).
Identifiers: ClinVar variation 2008980 (VCV002008980.6), dbSNP rs762770768, ClinGen allele CA6264831.
Genomic context (GRCh38, chr11:108,251,076, plus strand): 5'-TGAGGTTGACAGAGAATTCTGGAAGTTATTTACTGGGTCAGCCTGCAGACCTTCATGGTA[A>G]GTTCAGCATGCATTATGTCTGACTTACAGATAAACACACACAGACACACACACACTCACA-3'